The following is an entry in ClinVar:

ClinVar aggregate classification (germline): Uncertain significance (1 of 4 stars; one submission).

Conditions:
Atrioventricular septal defect 4 (AVSD4). Identifiers: MedGen C3280781, MONDO:0013747, OMIM 614430.

Submission:

Labcorp Genetics (formerly Invitae), Labcorp
Classification: Uncertain significance for Atrioventricular septal defect 4. Last evaluated: 2024-05-15. Review status: criteria provided, single submitter. Criteria: Invitae Variant Classification Sherloc (09022015). Collection method: clinical testing. Allele origin: germline.
Comment: This sequence change replaces valine, which is neutral and non-polar, with phenylalanine, which is neutral and non-polar, at codon 188 of the GATA4 protein (p.Val188Phe). This variant is not present in population databases (gnomAD no frequency). This variant has not been reported in the literature in individuals affected with GATA4-related conditions. Advanced modeling of protein sequence and biophysical properties (such as structural, functional, and spatial information, amino acid conservation, physicochemical variation, residue mobility, and thermodynamic stability) performed at Invitae indicates that this missense variant is not expected to disrupt GATA4 protein function with a negative predictive value of 80%. In summary, the available evidence is currently insufficient to determine the role of this variant in disease. Therefore, it has been classified as a Variant of Uncertain Significance.

NM_001308093.3(GATA4):c.562G>T (p.Val188Phe)

Gene: GATA4 (GATA binding protein 4). Cytogenetic location: 8p23.1.
Variant type: single nucleotide variant.
Coding change: c.562G>T on transcript NM_001308093.3 (MANE Select); coding-DNA position 562, G replaced by T.
Protein change: p.Val188Phe; replaces valine 188 with phenylalanine.
Molecular consequence: missense variant. On other transcripts: intron variant (3).
Genome position (GRCh38, 1-based): chr8:11,708,874, G>T. VCF-style: chr8-11708874-G-T. GRCh37 (hg19) VCF-style: chr8-11566383-G-T.
Other names: c.562G>T, p.Val188Phe (NM_002052.5); c.-6+8096G>T (NM_001308094.2); c.-3+860G>T (NM_001374274.1); c.-3+4570G>T (NM_001374273.1); short protein forms V188F.
Identifiers: ClinVar variation 3632007 (VCV003632007.2).